The following is an entry in ClinVar:

NM_000260.4(MYO7A):c.5442T>A (p.Tyr1814Ter)

Gene: MYO7A (myosin VIIA; plus strand). Cytogenetic location: 11q13.5.
Variant type: single nucleotide variant.
Coding change: c.5442T>A on transcript NM_000260.4 (MANE Select); coding-DNA position 5442, T replaced by A.
Protein change: p.Tyr1814Ter; replaces tyrosine 1814 with a stop codon.
Molecular consequence: nonsense.
Genome position (GRCh38, 1-based): chr11:77,204,191, T>A. VCF-style: chr11-77204191-T-A. GRCh37 (hg19) VCF-style: chr11-76915236-T-A.
Other names: c.5328T>A, p.Tyr1776Ter (NM_001127180.2); c.5295T>A, p.Tyr1765Ter (NM_001369365.1); short protein forms Y1765*, Y1776*, Y1814*.
Identifiers: ClinVar variation 983818 (VCV000983818.3), dbSNP rs1407313220, ClinGen allele CA381952734.

ClinVar aggregate classification (germline): Likely pathogenic (1 of 4 stars; one submission).

Conditions:
Usher syndrome type 1 (USH1). Also called: RETINITIS PIGMENTOSA AND CONGENITAL DEAFNESS. Identifiers: Orphanet 231169, Orphanet 886, MedGen C1568247, MONDO:0010168, OMIM 276900.

Allele frequency attached by ClinVar (database versions not stated): gnomAD 0.00001; TOPMed below 0.00001.
gnomAD v4.1: 1 of 1,584,108 alleles (0.000063%); highest among the groups gnomAD compares: Non-Finnish European, 0.000086%; no homozygotes.

Submission:

Myriad Genetics, Inc.
Classification: Likely pathogenic for Usher syndrome type 1. Last evaluated: 2019-04-21. Review status: criteria provided, single submitter. Criteria: Myriad Women's Health Autosomal Recessive and X-Linked Classification Criteria (2019). Collection method: clinical testing. Allele origin: unknown.
Comment: NM_000260.3(MYO7A):c.5442T>A(Y1814*) is expected to be pathogenic in the context of MYO7A-related disorders. This variant is predicted to lead to an abnormal or absent protein product due to the creation of a premature termination codon in MYO7A, a gene where loss-of-function variants are known to be pathogenic. Please note: this variant was assessed in the context of healthy population screening.